The following is an entry in ClinVar:

NM_020435.4(GJC2):c.706G>C (p.Gly236Arg)

Gene: GJC2 (gap junction protein gamma 2; plus strand). Cytogenetic location: 1q42.13.
Variant type: single nucleotide variant.
Coding change: c.706G>C on transcript NM_020435.4 (MANE Select); coding-DNA position 706, G replaced by C.
Protein change: p.Gly236Arg; replaces glycine 236 with arginine.
Molecular consequence: missense variant.
Genome position (GRCh38, 1-based): chr1:228,158,464, G>C. VCF-style: chr1-228158464-G-C. GRCh37 (hg19) VCF-style: chr1-228346165-G-C.
Other names: short protein forms G236R.
Identifiers: ClinVar variation 2683908 (VCV002683908.2), dbSNP rs2527876961, ClinGen allele CA345099079.
Genomic context (GRCh38, chr1:228,158,464, plus strand): 5'-CAGCTGGTGGCCAGGGCAGCTTTCGAGGTGGCCTTCCTGGTGGGCCAGTACCTGCTGTAC[G>C]GCTTCGAGGTGCGACCGTTCTTTCCCTGCAGCCGCCAGCCCTGCCCGCACGTGGTGGACT-3'
Protein context (NP_065168.2, residues 226-246): AFLVGQYLLY[Gly236Arg]FEVRPFFPCS

ClinVar aggregate classification (germline): Conflicting classifications of pathogenicity. Review status: criteria provided, conflicting classifications (1 of 4 stars). 2 submissions from 2 submitters: Pathogenic (1); Uncertain significance (1). Last evaluated 2025-08-20.

Conditions:
Leukodystrophy, hypomyelinating, 2. Also called: PELIZAEUS-MERZBACHER-LIKE DISEASE, 1. Identifiers: Orphanet 280270, Orphanet 280282, MedGen C1837355, MONDO:0012125, OMIM 608804.
Spastic paraplegia. Identifiers: MedGen C0037772, HP:0001258.

Allele frequency attached by ClinVar (database versions not stated): gnomAD exomes below 0.00001.
gnomAD v4.1: 2 of 1,611,528 alleles (0.00012%); highest among the groups gnomAD compares: Non-Finnish European, 0.00017%; no homozygotes.

Submissions (2):

Labcorp Genetics (formerly Invitae), Labcorp
Classification: Uncertain significance for Spastic paraplegia. Last evaluated: 2025-08-20. Review status: criteria provided, single submitter. Criteria: Invitae Variant Classification Sherloc (09022015). Collection method: clinical testing. Allele origin: germline.
Comment: This sequence change replaces glycine, which is neutral and non-polar, with arginine, which is basic and polar, at codon 236 of the GJC2 protein (p.Gly236Arg). This variant is not present in population databases (gnomAD no frequency). This missense change has been observed in individual(s) with Pelizaeus-Merzbacher disease (PMID: 18094336, 22283455). ClinVar contains an entry for this variant (Variation ID: 2683908). Invitae Evidence Modeling of protein sequence and biophysical properties (such as structural, functional, and spatial information, amino acid conservation, physicochemical variation, residue mobility, and thermodynamic stability) has been performed for this missense variant. However, the output from this modeling did not meet the statistical confidence thresholds required to predict the impact of this variant on GJC2 protein function. Experimental studies have shown that this missense change affects GJC2 function (PMID: 20442743, 23544880). This variant disrupts the p.Gly236 amino acid residue in GJC2. Other variant(s) that disrupt this residue have been determined to be pathogenic (PMID: 16707726). This suggests that this residue is clinically significant, and that variants that disrupt this residue are likely to be disease-causing. In summary, the available evidence is currently insufficient to determine the role of this variant in disease. Therefore, it has been classified as a Variant of Uncertain Significance.

Institute of Medical Genetics and Applied Genomics, University Hospital Tübingen
Classification: Pathogenic for Leukodystrophy, hypomyelinating, 2. Last evaluated: 2024-01-11. Review status: criteria provided, single submitter. Criteria: ACMG Guidelines, 2015. Collection method: clinical testing. Allele origin: germline. Inheritance: Autosomal recessive inheritance. Affected: yes.

Literature cited by the submitters: PubMed 18094336 (cited by Labcorp Genetics (formerly Invitae), Labcorp); PubMed 22283455 (cited by Labcorp Genetics (formerly Invitae), Labcorp); PubMed 20442743 (cited by Labcorp Genetics (formerly Invitae), Labcorp); PubMed 23544880 (cited by Labcorp Genetics (formerly Invitae), Labcorp); PubMed 16707726 (cited by Labcorp Genetics (formerly Invitae), Labcorp).